The following is an entry in ClinVar:

ClinVar aggregate classification (germline): Conflicting classifications of pathogenicity. Review status: criteria provided, conflicting classifications (1 of 4 stars). 4 submissions from 4 submitters: Uncertain significance (3); Likely benign (1). Last evaluated 2025-09-10.

Conditions:
Cardiovascular phenotype. Identifiers: MedGen CN230736.

Allele frequency attached by ClinVar (database versions not stated): TOPMed 0.00002.
gnomAD v4.1: 4 of 1,613,646 alleles (0.00025%); highest among the groups gnomAD compares: African/African-American, 0.0013%; no homozygotes.

Submissions (4):

Ambry Genetics
Classification: Likely benign for Cardiovascular phenotype. Last evaluated: 2025-09-10. Review status: criteria provided, single submitter. Criteria: Ambry Variant Classification Scheme 2023. Collection method: clinical testing. Allele origin: germline.

Women's Health and Genetics/Laboratory Corporation of America, LabCorp
Classification: Uncertain significance. Last evaluated: 2025-02-03. Review status: criteria provided, single submitter. Criteria: LabCorp Variant Classification Summary - May 2015. Collection method: clinical testing. Allele origin: germline.
Comment: Variant summary: PRDM5 c.1793A>G (p.Asn598Ser) results in a conservative amino acid change in the encoded protein sequence. Three of five in-silico tools predict a damaging effect of the variant on protein function. The variant was absent in 250868 control chromosomes. The available data on variant occurrences in the general population are insufficient to allow any conclusion about variant significance. To our knowledge, no occurrence of c.1793A>G in individuals affected with Brittle cornea syndrome 2 and no experimental evidence demonstrating its impact on protein function have been reported. ClinVar contains an entry for this variant (Variation ID: 1493818). Based on the evidence outlined above, the variant was classified as uncertain significance.

GeneDx
Classification: Uncertain significance. Last evaluated: 2024-06-16. Review status: criteria provided, single submitter. Criteria: GeneDx Variant Classification Process June 2021. Collection method: clinical testing. Allele origin: germline. Affected: yes.
Comment: Not observed at significant frequency in large population cohorts (gnomAD); In silico analysis indicates that this missense variant does not alter protein structure/function; Has not been previously published as pathogenic or benign to our knowledge

Labcorp Genetics (formerly Invitae), Labcorp
Classification: Uncertain significance. Last evaluated: 2022-04-01. Review status: criteria provided, single submitter. Criteria: Invitae Variant Classification Sherloc (09022015). Collection method: clinical testing. Allele origin: germline.
Comment: This sequence change replaces asparagine, which is neutral and polar, with serine, which is neutral and polar, at codon 598 of the PRDM5 protein (p.Asn598Ser). This variant is not present in population databases (gnomAD no frequency). This variant has not been reported in the literature in individuals affected with PRDM5-related conditions. Algorithms developed to predict the effect of missense changes on protein structure and function are either unavailable or do not agree on the potential impact of this missense change (SIFT: "Deleterious"; PolyPhen-2: "Possibly Damaging"; Align-GVGD: "Class C0"). Algorithms developed to predict the effect of sequence changes on RNA splicing suggest that this variant may create or strengthen a splice site. In summary, the available evidence is currently insufficient to determine the role of this variant in disease. Therefore, it has been classified as a Variant of Uncertain Significance.

NM_018699.4(PRDM5):c.1793A>G (p.Asn598Ser)

Gene: PRDM5 (PR/SET domain 5; minus strand). Cytogenetic location: 4q27.
Variant type: single nucleotide variant.
Coding change: c.1793A>G on transcript NM_018699.4 (MANE Select); coding-DNA position 1793, A replaced by G.
Protein change: p.Asn598Ser; replaces asparagine 598 with serine.
Molecular consequence: missense variant. On other transcripts: 3 prime UTR variant (1).
Genome position (GRCh38, 1-based): chr4:120,695,211, T>C on the plus strand (A>G on the coding strand, the complement: PRDM5 is on the minus strand). VCF-style: chr4-120695211-T-C. GRCh37 (hg19) VCF-style: chr4-121616366-T-C.
Other names: c.1793A>G (NM_018699.2); c.1700A>G, p.Asn567Ser (NM_001300823.2); c.*108A>G (NM_001300824.2); c.1826A>G, p.Asn609Ser (NM_001379104.1); c.1595A>G, p.Asn532Ser (NM_001379106.1); short protein forms N532S, N598S, N609S, N567S.
Identifiers: ClinVar variation 1493818 (VCV001493818.7), dbSNP rs1306216582, ClinGen allele CA358206523.